The following is an entry in ClinVar:

NC_000011.9:g.(?_68696631)_(68707199_?)del

Gene: IGHMBP2 (immunoglobulin mu DNA binding protein 2; plus strand). Cytogenetic location: 11q13.3.
Variant type: Deletion.
Identifiers: ClinVar variation 3244646 (VCV003244646.1).

ClinVar aggregate classification (germline): Pathogenic (1 of 4 stars; one submission).

Conditions:
Autosomal recessive distal spinal muscular atrophy 1. Also called: HMN VI; NEURONOPATHY, SEVERE INFANTILE AXONAL, WITH RESPIRATORY FAILURE; SEVERE INFANTILE AXONAL NEUROPATHY WITH RESPIRATORY FAILURE; SPINAL MUSCULAR ATROPHY, DIAPHRAGMATIC; Spinal muscular atrophy with respiratory distress 1; NEURONOPATHY, DISTAL HEREDITARY MOTOR, HARDING TYPE VI. Identifiers: Orphanet 98920, MedGen C1858517, MONDO:0011436, OMIM 604320.
Charcot-Marie-Tooth disease axonal type 2S. Also called: CHARCOT-MARIE-TOOTH DISEASE, AXONAL, AUTOSOMAL RECESSIVE, TYPE 2S; CHARCOT-MARIE-TOOTH NEUROPATHY, TYPE 2S. Identifiers: Orphanet 443073, MedGen C4015349, MONDO:0014511, OMIM 616155.

Submission:

Labcorp Genetics (formerly Invitae), Labcorp
Classification: Pathogenic for Autosomal recessive distal spinal muscular atrophy 1; Charcot-Marie-Tooth disease axonal type 2S. Last evaluated: 2023-09-26. Review status: criteria provided, single submitter. Criteria: Invitae Variant Classification Sherloc (09022015). Collection method: clinical testing. Allele origin: unknown.
Comment: This variant is a gross deletion of the genomic region encompassing exon(s) 8-15 of the IGHMBP2 gene, which includes the termination codon. This deletion extends beyond the assayed region for this gene and therefore may encompass additional genes. While this deletion is not anticipated to lead to nonsense mediated decay, it is expected to alter mRNA translation or result in a truncated protein product. A similar copy number variant has been observed in individual(s) with Charcot-Marie-Tooth disease (PMID: 31069529). This variant disrupts a region of the IGHMBP2 protein in which other variant(s) (p.Leu361Pro) have been determined to be pathogenic (PMID: 14506069, 14681881, 18802676, 22157136). This suggests that this is a clinically significant region of the protein, and that variants that disrupt it are likely to be disease-causing. For these reasons, this variant has been classified as Pathogenic.

Literature cited by the submitters: PubMed 31069529; PubMed 14506069; PubMed 14681881; PubMed 18802676; PubMed 22157136.